The following is an entry in ClinVar:

NM_000264.5(PTCH1):c.3160G>T (p.Gly1054Trp)

Gene: PTCH1 (patched 1; minus strand). Cytogenetic location: 9q22.32.
Variant type: single nucleotide variant.
Coding change: c.3160G>T on transcript NM_000264.5 (MANE Select); coding-DNA position 3160, G replaced by T.
Protein change: p.Gly1054Trp; replaces glycine 1054 with tryptophan.
Molecular consequence: missense variant. On other transcripts: non-coding transcript variant (1).
Genome position (GRCh38, 1-based): chr9:95,458,021, C>A on the plus strand (G>T on the coding strand, the complement: PTCH1 is on the minus strand). VCF-style: chr9-95458021-C-A. GRCh37 (hg19) VCF-style: chr9-98220303-C-A.
Other names: c.2962G>T, p.Gly988Trp (NM_001083602.3); c.3157G>T, p.Gly1053Trp (NM_001083603.3); c.2707G>T, p.Gly903Trp (NM_001083604.3, NM_001083605.3, NM_001083606.3 and 1 more transcripts); c.3004G>T, p.Gly1002Trp (NM_001354918.2); short protein forms G1054W, G1002W, G988W, G1053W, G903W.
Identifiers: ClinVar variation 3784650 (VCV003784650.1).

ClinVar aggregate classification (germline): Uncertain significance (1 of 4 stars; one submission).

Conditions:
Hereditary cancer-predisposing syndrome. Also called: Neoplastic Syndromes, Hereditary; Hereditary Cancer Syndrome; Tumor predisposition; Hereditary neoplastic syndrome. Identifiers: Orphanet 140162, MedGen C0027672, MeSH D009386, MONDO:0015356.

Submission:

Ambry Genetics
Classification: Uncertain significance for Hereditary cancer-predisposing syndrome. Last evaluated: 2025-01-29. Review status: criteria provided, single submitter. Criteria: Ambry Variant Classification Scheme 2023. Collection method: clinical testing. Allele origin: germline.
Comment: The p.G1054W variant (also known as c.3160G>T), located in coding exon 18 of the PTCH1 gene, results from a G to T substitution at nucleotide position 3160. The glycine at codon 1054 is replaced by tryptophan, an amino acid with highly dissimilar properties. This amino acid position is conserved. In addition, this alteration is predicted to be deleterious by in silico analysis. Based on the available evidence, the clinical significance of this variant remains unclear.